The following is an entry in ClinVar:

NM_001165963.4(SCN1A):c.2470C>T (p.Pro824Ser)

Gene: SCN1A (sodium voltage-gated channel alpha subunit 1; minus strand). Cytogenetic location: 2q24.3.
Variant type: single nucleotide variant.
Coding change: c.2470C>T on transcript NM_001165963.4 (MANE Select); coding-DNA position 2470, C replaced by T.
Protein change: p.Pro824Ser; replaces proline 824 with serine.
Molecular consequence: missense variant. On other transcripts: non-coding transcript variant (1).
Genome position (GRCh38, 1-based): chr2:166,039,542, G>A on the plus strand (C>T on the coding strand, the complement: SCN1A is on the minus strand). VCF-style: chr2-166039542-G-A. GRCh37 (hg19) VCF-style: chr2-166896052-G-A.
Other names: c.2386C>T, p.Pro796Ser (NM_001165964.3, NM_001353957.2, NM_001353958.2); c.2470C>T, p.Pro824Ser (NM_001202435.3, NM_001353948.2); c.2437C>T, p.Pro813Ser (NM_001353949.2, NM_001353950.2, NM_001353951.2 and 2 more transcripts); c.2434C>T, p.Pro812Ser (NM_001353954.2, NM_001353955.2); c.2383C>T, p.Pro795Ser (NM_001353960.2); c.28C>T, p.Pro10Ser (NM_001353961.2); short protein forms P10S, P795S, P796S, P812S, P813S, P824S.
Identifiers: ClinVar variation 3345215 (VCV003345215.1).

ClinVar aggregate classification (germline): Uncertain significance (0 of 4 stars; one submission).

Conditions:
SCN1A-related disorder. Also called: SCN1A-related disorders; SCN1A-related conditions; SCN1A-related condition.

Submission:

PreventionGenetics, part of Exact Sciences
Classification: Uncertain significance for SCN1A-related condition. Last evaluated: 2024-09-05. Review status: no assertion criteria provided. Collection method: clinical testing. Allele origin: germline.
Comment: The SCN1A c.2470C>T variant is predicted to result in the amino acid substitution p.Pro824Ser. To our knowledge, this variant has not been reported in the literature or in a large population database, indicating this variant is rare. At this time, the clinical significance of this variant is uncertain due to the absence of conclusive functional and genetic evidence.